The following is an entry in ClinVar:

ClinVar aggregate classification (germline): Conflicting classifications of pathogenicity. Review status: criteria provided, conflicting classifications (1 of 4 stars). 2 submissions from 2 submitters: Uncertain significance (1); Likely benign (1). Last evaluated 2022-09-23.

Allele frequency attached by ClinVar (database versions not stated): ExAC 0.00001; gnomAD 0.00001; TOPMed 0.00005; ESP Exome Variant Server 0.00008.
gnomAD v4.1: 7 of 1,613,246 alleles (0.00043%); highest among the groups gnomAD compares: African/African-American, 0.004%; no homozygotes.

Submissions (2):

Labcorp Genetics (formerly Invitae), Labcorp
Classification: Uncertain significance. Last evaluated: 2022-09-23. Review status: criteria provided, single submitter. Criteria: Invitae Variant Classification Sherloc (09022015). Collection method: clinical testing. Allele origin: germline.
Comment: In summary, the available evidence is currently insufficient to determine the role of this variant in disease. Therefore, it has been classified as a Variant of Uncertain Significance. This sequence change replaces arginine, which is basic and polar, with glutamine, which is neutral and polar, at codon 259 of the TERF2IP protein (p.Arg259Gln). This variant is present in population databases (rs368334174, gnomAD 0.01%). This variant has not been reported in the literature in individuals affected with TERF2IP-related conditions. Algorithms developed to predict the effect of missense changes on protein structure and function output the following: SIFT: "Tolerated"; PolyPhen-2: "Benign"; Align-GVGD: "Class C0". The glutamine amino acid residue is found in multiple mammalian species, which suggests that this missense change does not adversely affect protein function.

Ambry Genetics
Classification: Likely benign. Last evaluated: 2021-08-01. Review status: criteria provided, single submitter. Criteria: Ambry Variant Classification Scheme 2023. Collection method: clinical testing. Allele origin: germline.

NM_018975.4(TERF2IP):c.776G>A (p.Arg259Gln)

Gene: TERF2IP (TERF2 interacting protein; plus strand). Cytogenetic location: 16q23.1.
Variant type: single nucleotide variant.
Coding change: c.776G>A on transcript NM_018975.4 (MANE Select); coding-DNA position 776, G replaced by A.
Protein change: p.Arg259Gln; replaces arginine 259 with glutamine.
Molecular consequence: missense variant. On other transcripts: non-coding transcript variant (1).
Genome position (GRCh38, 1-based): chr16:75,654,378, G>A. VCF-style: chr16-75654378-G-A. GRCh37 (hg19) VCF-style: chr16-75688276-G-A.
Other names: short protein forms R259Q.
Identifiers: ClinVar variation 1760540 (VCV001760540.7), dbSNP rs368334174, ClinGen allele CA8178077.
Genomic context (GRCh38, chr16:75,654,378, plus strand): 5'-TGAAGGAAGAAATCCAGGAGAATGAAGAAGCAGTCAAAAAGATGCTTGTGGAAGCCACCC[G>A]GGAGTTTGAGGAGGTTGTGGTATGTTAACTAGATTTACTCATTATTTTTTTCCCTACCTT-3'
Protein context (NP_061848.2, residues 249-269): AVKKMLVEAT[Arg259Gln]EFEEVVVDES